The following is an entry in ClinVar:

NM_004526.4(MCM2):c.2580C>G (p.Val860=)

Genes: MCM2 (minichromosome maintenance complex component 2; plus strand), LOC107986126 (uncharacterized LOC107986126; minus strand). Cytogenetic location: 3q21.3.
Variant type: single nucleotide variant.
Coding change: c.2580C>G on transcript NM_004526.4 (MANE Select); coding-DNA position 2580, C replaced by G.
Protein change: p.Val860=; no amino-acid change (valine 860 retained).
Molecular consequence: synonymous variant. On other transcripts: non-coding transcript variant (1).
Genome position (GRCh38, 1-based): chr3:127,621,204, C>G. VCF-style: chr3-127621204-C-G. GRCh37 (hg19) VCF-style: chr3-127340047-C-G.
Other names: c.2580C>G (NM_004526.3).
Identifiers: ClinVar variation 3669830 (VCV003669830.4).

ClinVar aggregate classification (germline): Likely benign. Review status: criteria provided, multiple submitters, no conflicts (2 of 4 stars). 2 submissions from 2 submitters: Likely benign (2). Last evaluated 2026-04-15.

Conditions:
MCM2-related disorder. Also called: MCM2-related condition.

gnomAD v4.1: 26 of 1,613,980 alleles (0.0016%); highest among the groups gnomAD compares: African/African-American, 0.035%; no homozygotes.

Submissions (3):

PreventionGenetics, part of Exact Sciences
Classification: Likely benign for MCM2-related condition. Last evaluated: 2026-04-15. Review status: criteria provided, single submitter. Criteria: ACMG Guidelines, 2015. Collection method: clinical testing. Allele origin: germline.
Comment: This variant is classified as likely benign based on ACMG/AMP sequence variant interpretation guidelines (Richards et al. 2015 PMID: 25741868, with internal and published modifications).

Labcorp Genetics (formerly Invitae), Labcorp
Classification: Likely benign. Last evaluated: 2024-11-10. Review status: criteria provided, single submitter. Criteria: Invitae Variant Classification Sherloc (09022015). Collection method: clinical testing. Allele origin: germline.

Dr. Peter K. Rogan Lab, Western University
No classification provided (evidence only). Condition: Cervical cancer. Review status: no classification provided. Collection method: in vitro. Allele origin: not applicable. Functional consequence: retained intron. Not counted in ClinVar's aggregate classification.